The following is an entry in ClinVar:

ClinVar aggregate classification (germline): Uncertain significance (1 of 4 stars; one submission).

Submission:

Ambry Genetics
Classification: Uncertain significance. Last evaluated: 2021-04-04. Review status: criteria provided, single submitter. Criteria: Ambry Variant Classification Scheme 2023. Collection method: clinical testing. Allele origin: germline.
Comment: The c.395-4_399dupTTAGGTTTT variant, which spans the 5' intron boundary of coding exon 4 of the RECQL gene, results from a duplication of 9 nucleotides at positions c.395-4 to 399. This region is well conserved in available vertebrate species. In silico splice site analysis predicts that this alteration may result in the creation or strengthening of a novel splice acceptor site. Since supporting evidence is limited at this time, the clinical significance of this alteration remains unclear.

NM_002907.4(RECQL):c.395-4_399dup

Gene: RECQL (RecQ like helicase; minus strand). Cytogenetic location: 12p12.1.
Variant type: Duplication.
Coding change: c.395-4_399dup on transcript NM_002907.4 (MANE Select); 4 bases into the intron before coding-DNA position 395 through coding-DNA position 399, 9 bases duplicated (TTAGGTTTT; older notation c.395-4_399dupTTAGGTTTT).
Molecular consequence: splice acceptor variant.
Genome position (GRCh38, 1-based): chr12:21,486,581-21,486,589, AAAACCTAA duplicated on the plus strand (TTAGGTTTT on the coding strand, the reverse complement: RECQL is on the minus strand); duplicating any 9 consecutive bases within chr12:21,486,581-21,486,591 gives the same sequence; the c. name uses the placement nearest the transcript's 3' end. VCF-style (leftmost placement, unchanged base first): chr12-21486580-T-TAAAACCTAA. GRCh37 (hg19) VCF-style: chr12-21639514-T-TAAAACCTAA.
Other names: c.395-4_399dup (NM_032941.3).
Identifiers: ClinVar variation 1736462 (VCV001736462.2), dbSNP rs2540387583, ClinGen allele CA2580085248.